The following is an entry in ClinVar:

NM_006206.6(PDGFRA):c.2567T>G (p.Phe856Cys)

Gene: PDGFRA (platelet derived growth factor receptor alpha; plus strand). Cytogenetic location: 4q12.
Variant type: single nucleotide variant.
Coding change: c.2567T>G on transcript NM_006206.6 (MANE Select); coding-DNA position 2567, T replaced by G.
Protein change: p.Phe856Cys; replaces phenylalanine 856 with cysteine.
Molecular consequence: missense variant.
Genome position (GRCh38, 1-based): chr4:54,287,434, T>G. VCF-style: chr4-54287434-T-G. GRCh37 (hg19) VCF-style: chr4-55153601-T-G.
Other names: c.2642T>G, p.Phe881Cys (NM_001347828.2); c.2567T>G, p.Phe856Cys (NM_001347829.2); c.2606T>G, p.Phe869Cys (NM_001347830.2); short protein forms F856C, F881C, F869C.
Identifiers: ClinVar variation 2587724 (VCV002587724.3), dbSNP rs2110341158, ClinGen allele CA356895136.

ClinVar aggregate classification (germline): Uncertain significance (1 of 4 stars; one submission).

Conditions:
Hereditary cancer-predisposing syndrome. Also called: Tumor predisposition; Hereditary Cancer Syndrome; Hereditary neoplastic syndrome; Neoplastic Syndromes, Hereditary. Identifiers: Orphanet 140162, MedGen C0027672, MeSH D009386, MONDO:0015356.

Submission:

Ambry Genetics
Classification: Uncertain significance for Hereditary cancer-predisposing syndrome. Last evaluated: 2025-12-13. Review status: criteria provided, single submitter. Criteria: Ambry Variant Classification Scheme 2023. Collection method: clinical testing. Allele origin: germline.
Comment: The p.F856C variant (also known as c.2567T>G), located in coding exon 18 of the PDGFRA gene, results from a T to G substitution at nucleotide position 2567. The phenylalanine at codon 856 is replaced by cysteine, an amino acid with highly dissimilar properties. This amino acid position is conserved. In addition, this alteration is predicted to be deleterious by in silico analysis. Since supporting evidence is limited at this time, the clinical significance of this alteration remains unclear.